The following is an entry in ClinVar:

ClinVar aggregate classification (germline): Uncertain significance (1 of 4 stars; one submission).

Submission:

GeneDx
Classification: Uncertain significance. Last evaluated: 2017-02-27. Review status: criteria provided, single submitter. Criteria: GeneDx Variant Classification (06012015). Collection method: clinical testing. Allele origin: germline. Affected: yes.
Comment: The Y559C variant in the CCDC22 gene has not been reported previously as a pathogenic variant, nor as a benign variant, to our knowledge. The Y559C variant is not observed in large population cohorts (Lek et al., 2016; 1000 Genomes Consortium et al., 2015; Exome Variant Server). The Y559C variant is a non-conservative amino acid substitution, which is likely to impact secondary protein structure as these residues differ in polarity, charge, size and/or other properties. This substitution occurs at a position that is conserved across species, and in silico analysis predicts this variant is probably damaging to the protein structure/function. We interpret Y559C as a variant of uncertain significance.

NM_014008.5(CCDC22):c.1676A>G (p.Tyr559Cys)

Gene: CCDC22 (coiled-coil domain containing 22; plus strand). Cytogenetic location: Xp11.23.
Variant type: single nucleotide variant.
Coding change: c.1676A>G on transcript NM_014008.5 (MANE Select); coding-DNA position 1676, A replaced by G.
Protein change: p.Tyr559Cys; replaces tyrosine 559 with cysteine.
Molecular consequence: missense variant.
Genome position (GRCh38, 1-based): chrX:49,249,549, A>G. VCF-style: chrX-49249549-A-G. GRCh37 (hg19) VCF-style: chrX-49106010-A-G.
Other names: short protein forms Y559C.
Identifiers: ClinVar variation 423605 (VCV000423605.2), dbSNP rs1064796523, ClinGen allele CA16621428.